The following is an entry in ClinVar:

NM_000751.3(CHRND):c.484T>C (p.Trp162Arg)

Gene: CHRND (cholinergic receptor nicotinic delta subunit; plus strand). Cytogenetic location: 2q37.1.
Variant type: single nucleotide variant.
Coding change: c.484T>C on transcript NM_000751.3 (MANE Select); coding-DNA position 484, T replaced by C.
Protein change: p.Trp162Arg; replaces tryptophan 162 with arginine.
Molecular consequence: missense variant. On other transcripts: synonymous variant (1).
Genome position (GRCh38, 1-based): chr2:232,528,631, T>C. VCF-style: chr2-232528631-T-C. GRCh37 (hg19) VCF-style: chr2-233393341-T-C.
Other names: c.439T>C, p.Trp147Arg (NM_001256657.2); c.213T>C, p.Thr71= (NM_001311195.2); c.181T>C, p.Trp61Arg (NM_001311196.2); short protein forms W162R, W61R, W147R.
Identifiers: ClinVar variation 3720698 (VCV003720698.2).
Genomic context (GRCh38, chr2:232,528,631, plus strand): 5'-CTGCCACCTGCCATCTTCCGCTCCTCCTGCCCCATCTCTGTCACCTATTTCCCCTTCGAC[T>C]GGCAGAACTGCTCCCTCAAGTTCAGGTGTGCCCTTTTCTCCAGCCACCCCTCACCCCAAA-3'
Protein context (NP_000742.1, residues 152-172): PISVTYFPFD[Trp162Arg]QNCSLKFSSL

ClinVar aggregate classification (germline): Uncertain significance (1 of 4 stars; one submission).

Conditions:
Lethal multiple pterygium syndrome (LMPS). Identifiers: Orphanet 33108, MedGen C1854678, MONDO:0009668, OMIM 253290.

Submission:

Labcorp Genetics (formerly Invitae), Labcorp
Classification: Uncertain significance for Lethal multiple pterygium syndrome. Last evaluated: 2025-01-11. Review status: criteria provided, single submitter. Criteria: Invitae Variant Classification Sherloc (09022015). Collection method: clinical testing. Allele origin: germline.
Comment: This sequence change replaces tryptophan, which is neutral and slightly polar, with arginine, which is basic and polar, at codon 162 of the CHRND protein (p.Trp162Arg). This variant is not present in population databases (gnomAD no frequency). This variant has not been reported in the literature in individuals affected with CHRND-related conditions. Invitae Evidence Modeling of protein sequence and biophysical properties (such as structural, functional, and spatial information, amino acid conservation, physicochemical variation, residue mobility, and thermodynamic stability) has been performed for this missense variant. However, the output from this modeling did not meet the statistical confidence thresholds required to predict the impact of this variant on CHRND protein function. In summary, the available evidence is currently insufficient to determine the role of this variant in disease. Therefore, it has been classified as a Variant of Uncertain Significance.